The following is an entry in ClinVar:

NM_001110556.2(FLNA):c.5866G>A (p.Asp1956Asn)

Gene: FLNA (filamin A; minus strand). Cytogenetic location: Xq28.
Variant type: single nucleotide variant.
Coding change: c.5866G>A on transcript NM_001110556.2 (MANE Select); coding-DNA position 5866, G replaced by A.
Protein change: p.Asp1956Asn; replaces aspartic acid 1956 with asparagine.
Molecular consequence: missense variant.
Genome position (GRCh38, 1-based): chrX:154,353,452, C>T on the plus strand (G>A on the coding strand, the complement: FLNA is on the minus strand). VCF-style: chrX-154353452-C-T. GRCh37 (hg19) VCF-style: chrX-153581820-C-T.
Other names: c.5842G>A, p.Asp1948Asn (NM_001456.4); short protein forms D1948N, D1956N.
Identifiers: ClinVar variation 1004177 (VCV001004177.12), dbSNP rs930325486, ClinGen allele CA337275561.
Genomic context (GRCh38, chrX:154,353,452, plus strand): 5'-AGATGTTGATGGGGATGTCGGCAGCAGAGCCGACCTTTAGGTGGGACATACGCATGGAGT[C>T]GTCACCTGGTGGGGACAGGCCAGCCATCAGTGTGCGTCCAGCCATGGGAGACCATGCCCA-3'
Protein context (NP_001104026.1, residues 1946-1966): SPFTARVTGD[Asp1956Asn]SMRMSHLKVG

ClinVar aggregate classification (germline): Conflicting classifications of pathogenicity. Review status: criteria provided, conflicting classifications (1 of 4 stars). 3 submissions from 3 submitters: Uncertain significance (2); Benign (1). Last evaluated 2025-11-28.

Conditions:
Frontometaphyseal dysplasia (FMD1). Identifiers: Orphanet 1826, MedGen C0265293, MONDO:0015942.
Melnick-Needles syndrome (MNS). Also called: MELNICK-NEEDLES OSTEODYSPLASTY; OSTEODYSPLASTY OF MELNICK AND NEEDLES; Melnick-Needles Syndrome (FLNA-MNS). Identifiers: Orphanet 2484, MedGen C0025237, MONDO:0010650, OMIM 309350.
Oto-palato-digital syndrome, type II (OPD2). Also called: FACIOPALATOOSSEOUS SYNDROME; Otopalatodigital Syndrome, Type II; OPD II SYNDROME; Otopalatodigital Syndrome Type 2 (FLNA-OPD2). Identifiers: Orphanet 669, Orphanet 90652, MedGen C1844696, MONDO:0010571, OMIM 304120.
Heterotopia, periventricular, X-linked dominant (PVNH1). Also called: PERIVENTRICULAR NODULAR HETEROTOPIA 1; X-linked periventricular heterotopia; PERIVENTRICULAR NODULAR HETEROTOPIA 4; HETEROTOPIA, PERIVENTRICULAR, 1. Identifiers: Orphanet 2149, Orphanet 82004, MedGen C1848213, MONDO:0010233, OMIM 300049.

Allele frequency attached by ClinVar (database versions not stated): TOPMed below 0.00001; gnomAD exomes 0.00001.

Submissions (3):

Women's Health and Genetics/Laboratory Corporation of America, LabCorp
Classification: Uncertain significance. Last evaluated: 2025-11-28. Review status: criteria provided, single submitter. Criteria: LabCorp Variant Classification Summary - May 2015. Collection method: clinical testing. Allele origin: germline.

Labcorp Genetics (formerly Invitae), Labcorp
Classification: Benign for Oto-palato-digital syndrome, type II; Heterotopia, periventricular, X-linked dominant; Frontometaphyseal dysplasia; Melnick-Needles syndrome. Last evaluated: 2025-09-22. Review status: criteria provided, single submitter. Criteria: Invitae Variant Classification Sherloc (09022015). Collection method: clinical testing. Allele origin: germline.

GeneDx
Classification: Uncertain significance. Last evaluated: 2024-10-04. Review status: criteria provided, single submitter. Criteria: GeneDx Variant Classification Process June 2021. Collection method: clinical testing. Allele origin: germline. Affected: yes.
Comment: Has not been previously published as pathogenic or benign to our knowledge; In silico analysis supports that this missense variant has a deleterious effect on protein structure/function